The following is an entry in ClinVar:

NM_001330078.2(NRXN1):c.2665G>C (p.Asp889His)

Gene: NRXN1 (neurexin 1; minus strand). Cytogenetic location: 2p16.3.
Variant type: single nucleotide variant.
Coding change: c.2665G>C on transcript NM_001330078.2 (MANE Select); coding-DNA position 2665, G replaced by C.
Protein change: p.Asp889His; replaces aspartic acid 889 with histidine.
Molecular consequence: missense variant.
Genome position (GRCh38, 1-based): chr2:50,497,547, C>G on the plus strand (G>C on the coding strand, the complement: NRXN1 is on the minus strand). VCF-style: chr2-50497547-C-G. GRCh37 (hg19) VCF-style: chr2-50724685-C-G.
Other names: c.2785G>C, p.Asp929His (NM_001135659.3); c.2641G>C, p.Asp881His (NM_001330077.2, NM_001330082.2); c.2599G>C, p.Asp867His (NM_001330083.2, NM_001330084.2); c.2638G>C, p.Asp880His (NM_001330085.2); c.2665G>C, p.Asp889His (NM_001330086.2, NM_004801.6); c.2554G>C, p.Asp852His (NM_001330087.2, NM_001330096.2); c.2584G>C, p.Asp862His (NM_001330088.2); c.2662G>C, p.Asp888His (NM_001330093.2); and 2 more; short protein forms D862H, D885H, D881H, D889H, D867H, D872H, D929H, D852H.
Identifiers: ClinVar variation 4778253 (VCV004778253.1).

ClinVar aggregate classification (germline): Uncertain significance (1 of 4 stars; one submission).

Conditions:
Pitt-Hopkins-like syndrome 2 (PTHSL2). Identifiers: Orphanet 221150, Orphanet 600663, MedGen C3280479, MONDO:0013690, OMIM 614325.

Submission:

Labcorp Genetics (formerly Invitae), Labcorp
Classification: Uncertain significance for Pitt-Hopkins-like syndrome 2. Last evaluated: 2025-03-25. Review status: criteria provided, single submitter. Criteria: Invitae Variant Classification Sherloc (09022015). Collection method: clinical testing. Allele origin: germline.
Comment: This sequence change replaces aspartic acid, which is acidic and polar, with histidine, which is basic and polar, at codon 929 of the NRXN1 protein (p.Asp929His). This variant is not present in population databases (gnomAD no frequency). This variant has not been reported in the literature in individuals affected with NRXN1-related conditions. An algorithm developed to predict the effect of missense changes on protein structure and function (PolyPhen-2) suggests that this variant is likely to be disruptive. In summary, the available evidence is currently insufficient to determine the role of this variant in disease. Therefore, it has been classified as a Variant of Uncertain Significance.